The following is an entry in ClinVar:

NM_002890.3(RASA1):c.1463A>G (p.Lys488Arg)

Genes: CCNH (cyclin H; minus strand), RASA1 (RAS p21 protein activator 1; plus strand). Cytogenetic location: 5q14.3.
Variant type: single nucleotide variant.
Coding change: c.1463A>G on transcript NM_002890.3 (MANE Select); coding-DNA position 1463, A replaced by G.
Protein change: p.Lys488Arg; replaces lysine 488 with arginine.
Molecular consequence: missense variant. On other transcripts: intron variant (1).
Genome position (GRCh38, 1-based): chr5:87,363,357, A>G. VCF-style: chr5-87363357-A-G. GRCh37 (hg19) VCF-style: chr5-86659174-A-G.
Other names: c.932A>G, p.Lys311Arg (NM_022650.3); c.933+31687T>C (NM_001364075.2); short protein forms K311R, K488R.
Identifiers: ClinVar variation 2763232 (VCV002763232.3), dbSNP rs2531304509, ClinGen allele CA360368837.

ClinVar aggregate classification (germline): Uncertain significance (1 of 4 stars; one submission).

Conditions:
Capillary malformation-arteriovenous malformation syndrome. Also called: Capillary malformation-arteriovenous malformation. Identifiers: Orphanet 137667, MedGen C1842180, MONDO:0012016.

Submission:

Labcorp Genetics (formerly Invitae), Labcorp
Classification: Uncertain significance for Capillary malformation-arteriovenous malformation syndrome. Last evaluated: 2023-09-25. Review status: criteria provided, single submitter. Criteria: Invitae Variant Classification Sherloc (09022015). Collection method: clinical testing. Allele origin: germline.
Comment: This sequence change replaces lysine, which is basic and polar, with arginine, which is basic and polar, at codon 488 of the RASA1 protein (p.Lys488Arg). In summary, the available evidence is currently insufficient to determine the role of this variant in disease. Therefore, it has been classified as a Variant of Uncertain Significance. An algorithm developed to predict the effect of missense changes on protein structure and function (PolyPhen-2) suggests that this variant is likely to be disruptive. This variant has not been reported in the literature in individuals affected with RASA1-related conditions. This variant is not present in population databases (gnomAD no frequency).